The following is an entry in ClinVar:

NM_001165963.4(SCN1A):c.2589+2dup

Gene: SCN1A (sodium voltage-gated channel alpha subunit 1; minus strand). Cytogenetic location: 2q24.3.
Variant type: Duplication.
Coding change: c.2589+2dup on transcript NM_001165963.4 (MANE Select); the canonical splice donor site of the intron after coding-DNA position 2589, one base duplicated (T; older notation c.2589+2dupT).
Molecular consequence: splice donor variant.
Genome position (GRCh38, 1-based): chr2:166,039,421, A duplicated on the plus strand (T on the coding strand, the reverse complement: SCN1A is on the minus strand). VCF-style (leftmost placement, unchanged base first): chr2-166039420-T-TA. GRCh37 (hg19) VCF-style: chr2-166895930-T-TA.
Other names: c.2589+2dup (NM_001165963.3, NM_001202435.3, NM_001353948.2); c.2589+2dupT (NM_001165963.4); c.2556+2dup (NM_001353949.2, NM_001353950.2, NM_001353951.2 and 2 more transcripts); c.2505+2dup (NM_001353958.2, NM_001353957.2, NM_001165964.3); c.2553+2dup (NM_001353955.2, NM_001353954.2); c.2502+2dup (NM_001353960.2); c.147+2dup (NM_001353961.2).
Identifiers: ClinVar variation 2430163 (VCV002430163.4), dbSNP rs2468112683, ClinGen allele CA2580064542.
Genomic context (GRCh38, chr2:166,039,420, plus strand): 5'-TATGCAAGAACCCTGATTGTTAGAAAGGTTTTTGAATTTGGTGCTTTTTTTTTTTTTTTT[T>TA]ACCAATCGAAATGAACGGAGAACAGATAATCCTTCCACATTGGCGAGTCCAAGTTCTACC-3'

ClinVar aggregate classification (germline): Pathogenic/Likely pathogenic. Review status: criteria provided, multiple submitters, no conflicts (2 of 4 stars). 3 submissions from 3 submitters: Pathogenic (1); Likely pathogenic (2). Last evaluated 2024-02-01.

Conditions:
Severe myoclonic epilepsy in infancy (DRVT). Also called: SEVERE MYOCLONIC EPILEPSY OF INFANCY; DEVELOPMENTAL AND EPILEPTIC ENCEPHALOPATHY 6A; Severe Myoclonic Epilepsy in Infancy (SMEI); Epileptic encephalopathy, early infantile, 6 (Dravet syndrome); Dravet syndrome. Identifiers: Orphanet 33069, MedGen C0751122, MONDO:0100135, OMIM 607208.
Migraine, familial hemiplegic, 3. Identifiers: Orphanet 569, MedGen C1864987, MONDO:0012320, OMIM 609634.
Generalized epilepsy with febrile seizures plus, type 2 (GEFSP2). Also called: GEFS+, TYPE 2. Identifiers: Orphanet 36387, MedGen C1858673, MONDO:0011461, OMIM 604403.
Developmental and epileptic encephalopathy 6B. Also called: Developmental and epileptic encephalopathy 6B, non-Dravet. Identifiers: MedGen C5543353, MONDO:0030268, OMIM 619317.
SCN1A-related disorder. Also called: SCN1A-related disorders; SCN1A-related conditions; SCN1A-related condition.

Submissions (3):

Mayo Clinic Laboratories, Mayo Clinic
Classification: Pathogenic. Last evaluated: 2024-02-01. Review status: criteria provided, single submitter. Criteria: ACMG Guidelines, 2015. Collection method: clinical testing. Allele origin: germline. Observed: 1 variant allele.
Comment: PP3, PM2_moderate, PS1

Blueprint Genetics
Classification: Likely pathogenic for SCN1A-related disorders. Last evaluated: 2021-11-30. Review status: criteria provided, single submitter. Criteria: ACMG Guidelines, 2015. Collection method: clinical testing. Allele origin: germline. Affected: yes. Observed: 1 variant allele.

Lifecell International Pvt. Ltd
Classification: Likely pathogenic for Developmental and epileptic encephalopathy 6B; Severe myoclonic epilepsy in infancy; Generalized epilepsy with febrile seizures plus, type 2; Migraine, familial hemiplegic, 3. Review status: criteria provided, single submitter. Criteria: ACMG Guidelines, 2015. Collection method: clinical testing. Allele origin: germline. Inheritance: Autosomal dominant inheritance. Affected: yes. Observed: 1 heterozygote.
Comment: The splice region variant NM_001165963.4(SCN1A):c.2589+2dupT has not been reported previously as a pathogenic variant nor as a benign variant, to our knowledge. The c.2589+2dupT variant is novel (not in any individuals) in gnomAD. The c.2589+2dupT variant is novel (not in any individuals) in 1kG. The nucleotide c.2589+2dupT in SCN1A is predicted conserved by GERP++ and PhyloP across 100 vertebrates; this variant is also predicted to be disrupted by NNSplice and PWM. Nearby regions of c.2589+2dupT; c.2589+1G>T (ClinVar ID: 372551) and c.2589+3G>T (ClinVar ID: 189938) are reported in ClinVar as pathogenic. For these reasons, this variant has been classified as Likely Pathogenic.

Literature cited by the submitters: PubMed 26633542 (cited by Mayo Clinic Laboratories, Mayo Clinic).